The following is an entry in ClinVar:

NM_000246.4(CIITA):c.1183G>A (p.Gly395Arg)

Gene: CIITA (class II major histocompatibility complex transactivator; plus strand). Cytogenetic location: 16p13.13.
Variant type: single nucleotide variant.
Coding change: c.1183G>A on transcript NM_000246.4 (MANE Select); coding-DNA position 1183, G replaced by A.
Protein change: p.Gly395Arg; replaces glycine 395 with arginine.
Molecular consequence: missense variant. On other transcripts: intron variant (1).
Genome position (GRCh38, 1-based): chr16:10,906,675, G>A. VCF-style: chr16-10906675-G-A. GRCh37 (hg19) VCF-style: chr16-11000532-G-A.
Other names: c.1186G>A, p.Gly396Arg (NM_001286402.1, NM_001379332.1); c.1039G>A, p.Gly347Arg (NM_001379330.1); c.1036G>A, p.Gly346Arg (NM_001379331.1); c.1183G>A, p.Gly395Arg (NM_001379333.1); c.1114G>A, p.Gly372Arg (NM_001379334.1); c.859+1863G>A (NM_001286403.2); short protein forms G395R, G396R, G346R, G347R, G372R.
Identifiers: ClinVar variation 580352 (VCV000580352.9), dbSNP rs953080654, ClinGen allele CA277744939.

ClinVar aggregate classification (germline): Uncertain significance. Review status: criteria provided, single submitter (1 of 4 stars). 2 submissions from 2 submitters: Uncertain significance (1). 1 of the submissions does not count toward it. Last evaluated 2021-08-31.

Conditions:
MHC class II deficiency. Also called: Bare lymphocyte syndrome 2; BLS, TYPE II. Identifiers: Orphanet 572, MedGen C5447452, MONDO:0008855.

Allele frequency attached by ClinVar (database versions not stated): TOPMed below 0.00001; gnomAD 0.00001.
gnomAD v4.1: 5 of 1,613,150 alleles (0.00031%); highest among the groups gnomAD compares: Non-Finnish European, 0.00042%; no homozygotes.

Submissions (2):

Labcorp Genetics (formerly Invitae), Labcorp
Classification: Uncertain significance for MHC class II deficiency. Last evaluated: 2021-08-31. Review status: criteria provided, single submitter. Criteria: Invitae Variant Classification Sherloc (09022015). Collection method: clinical testing. Allele origin: germline.
Comment: This sequence change replaces glycine with arginine at codon 395 of the CIITA protein (p.Gly395Arg). The glycine residue is moderately conserved and there is a moderate physicochemical difference between glycine and arginine. This variant is not present in population databases (ExAC no frequency). This variant has not been reported in the literature in individuals affected with CIITA-related conditions. Algorithms developed to predict the effect of missense changes on protein structure and function are either unavailable or do not agree on the potential impact of this missense change (SIFT: "Deleterious"; PolyPhen-2: "Possibly Damaging"; Align-GVGD: "Class C0"). In summary, the available evidence is currently insufficient to determine the role of this variant in disease. Therefore, it has been classified as a Variant of Uncertain Significance.

Natera, Inc.
Classification: Uncertain significance for Bare lymphocyte syndrome type II. Last evaluated: 2020-09-16. Review status: no assertion criteria provided. Collection method: clinical testing. Allele origin: germline. Not counted in ClinVar's aggregate classification.